The following is an entry in ClinVar:

ClinVar aggregate classification (germline): Uncertain significance (1 of 4 stars; one submission).

Conditions:
MKX-related disorder. Also called: MKX-related condition.

Submission:

PreventionGenetics, part of Exact Sciences
Classification: Uncertain significance for MKX-related condition. Last evaluated: 2026-06-02. Review status: criteria provided, single submitter. Criteria: ACMG Guidelines, 2015. Collection method: clinical testing. Allele origin: germline.
Comment: The MKX c.780G>C variant is predicted to result in the amino acid substitution p.Glu260Asp. To our knowledge, this variant has not been reported in the literature or in a large population database (gnomAD), indicating this variant is rare. At this time, the clinical significance of this variant is uncertain due to the absence of conclusive functional and genetic evidence.

NM_173576.3(MKX):c.780G>C (p.Glu260Asp)

Genes: MKX (mohawk homeobox; minus strand), LOC126860890 (CDK7 strongly-dependent group 2 enhancer GRCh37_chr10:28023032-28024231; plus strand). Cytogenetic location: 10p12.1.
Variant type: single nucleotide variant.
Coding change: c.780G>C on transcript NM_173576.3 (MANE Select); coding-DNA position 780, G replaced by C.
Protein change: p.Glu260Asp; replaces glutamic acid 260 with aspartic acid.
Molecular consequence: missense variant.
Genome position (GRCh38, 1-based): chr10:27,734,514, C>G on the plus strand (G>C on the coding strand, the complement: MKX is on the minus strand). VCF-style: chr10-27734514-C-G. GRCh37 (hg19) VCF-style: chr10-28023443-C-G.
Other names: c.780G>C, p.Glu260Asp (NM_001242702.2); short protein forms E260D.
Identifiers: ClinVar variation 4992376 (VCV004992376.1).